The following is an entry in ClinVar:

ClinVar aggregate classification (germline): Pathogenic. Review status: criteria provided, multiple submitters, no conflicts (2 of 4 stars). 2 submissions from 2 submitters: Pathogenic (2). Last evaluated 2025-05-02.

Conditions:
Hereditary cancer-predisposing syndrome. Also called: Tumor predisposition; Hereditary Cancer Syndrome; Neoplastic Syndromes, Hereditary; Hereditary neoplastic syndrome. Identifiers: Orphanet 140162, MedGen C0027672, MeSH D009386, MONDO:0015356.
Hereditary nonpolyposis colorectal neoplasms. Identifiers: MedGen C0009405, MeSH D003123.

Submissions (2):

Ambry Genetics
Classification: Pathogenic for Hereditary cancer-predisposing syndrome. Last evaluated: 2025-05-02. Review status: criteria provided, single submitter. Criteria: Ambry Variant Classification Scheme 2023. Collection method: clinical testing. Allele origin: germline.
Comment: The c.2892dupT pathogenic mutation, located in coding exon 4 of the MSH6 gene, results from a duplication of T at nucleotide position 2892, causing a translational frameshift with a predicted alternate stop codon (p.R965*). This variant is considered to be rare based on population cohorts in the Genome Aggregation Database (gnomAD). This alteration is expected to result in loss of function by premature protein truncation or nonsense-mediated mRNA decay. As such, this alteration is interpreted as a disease-causing mutation.

Labcorp Genetics (formerly Invitae), Labcorp
Classification: Pathogenic for Hereditary nonpolyposis colorectal neoplasms. Last evaluated: 2023-03-09. Review status: criteria provided, single submitter. Criteria: Invitae Variant Classification Sherloc (09022015). Collection method: clinical testing. Allele origin: germline.
Comment: This sequence change creates a premature translational stop signal (p.Arg965*) in the MSH6 gene. It is expected to result in an absent or disrupted protein product. Loss-of-function variants in MSH6 are known to be pathogenic (PMID: 18269114, 24362816). This variant is not present in population databases (gnomAD no frequency). This variant has not been reported in the literature in individuals affected with MSH6-related conditions. ClinVar contains an entry for this variant (Variation ID: 1797324). For these reasons, this variant has been classified as Pathogenic.

Literature cited by the submitters: PubMed 18269114 (cited by Labcorp Genetics (formerly Invitae), Labcorp); PubMed 24362816 (cited by Labcorp Genetics (formerly Invitae), Labcorp).

NM_000179.3(MSH6):c.2892dup (p.Arg965Ter)

Gene: MSH6 (mutS homolog 6; plus strand). Cytogenetic location: 2p16.3.
Variant type: Duplication.
Coding change: c.2892dup on transcript NM_000179.3 (MANE Select); coding-DNA position 2892, one base duplicated (T; older notation c.2892dupT).
Protein change: p.Arg965Ter; replaces arginine 965 with a stop codon.
Molecular consequence: nonsense. On other transcripts: frameshift variant (35).
Genome position (GRCh38, 1-based): chr2:47,800,875, T duplicated. VCF-style (leftmost placement, unchanged base first): chr2-47800874-G-GT. GRCh37 (hg19) VCF-style: chr2-48028013-G-GT.
Other names: c.2892dupT (NM_000179.2); c.2502dup, p.Arg835Ter (NM_001281492.2); c.1986dup, p.Arg663Ter (NM_001281493.2, NM_001281494.2); c.2988dup, p.Arg997Terfs (NM_001406795.1, NM_001406802.1); c.2892dup, p.Arg965Terfs (NM_001406796.1, NM_001406798.1, NM_001406800.1 and 2 more transcripts); c.2595dup, p.Arg866Terfs (NM_001406797.1, NM_001406801.1, NM_001406805.1 and 10 more transcripts); c.2367dup, p.Arg790Terfs (NM_001406799.1, NM_001406806.1, NM_001406807.1); c.2814dup, p.Arg939Terfs (NM_001406804.1); and 4 more; short protein forms R663*, R835*, R965*.
Identifiers: ClinVar variation 1797324 (VCV001797324.6), dbSNP rs2530700020, ClinGen allele CA2580068100.
Genomic context (GRCh38, chr2:47,800,874, plus strand): 5'-TAAGAGAAAATGAACAGAGCCTCCTGGAATACCTAGAGAAACAGCGCAACAGAATTGGCT[G>GT]TAGGACCATAGTCTATTGGGGGATTGGTAGGAACCGTTACCAGCTGGAAATTCCTGAGAA-3'